The following is an entry in ClinVar:

NM_000516.7(GNAS):c.530+1G>T

Gene: GNAS (GNAS complex locus; plus strand). Cytogenetic location: 20q13.32.
Variant type: single nucleotide variant.
Coding change: c.530+1G>T on transcript NM_000516.7 (MANE Select); the canonical splice donor site of the intron after coding-DNA position 530, G replaced by T.
Molecular consequence: splice donor variant.
Genome position (GRCh38, 1-based): chr20:58,905,481, G>T. VCF-style: chr20-58905481-G-T. GRCh37 (hg19) VCF-style: chr20-57480536-G-T.
Other names: c.*436+1G>T (NM_016592.5); c.434+1G>T (NM_001410912.1); c.353+1G>T (NM_001309861.2, NM_001309840.2); c.*391+1G>T (NM_001077490.3); c.2459+1G>T (NM_080425.4); c.2414+1G>T (NM_001410913.1); c.533+1G>T (NM_001077488.5); c.488+1G>T (NM_080426.4); and 1 more.
Identifiers: ClinVar variation 816649 (VCV000816649.1), dbSNP rs113029858, ClinGen allele CA409451376.

ClinVar aggregate classification (germline): Pathogenic (1 of 4 stars; one submission).

Conditions:
Pseudohypoparathyroidism (PHP1A). Identifiers: Orphanet 79443, Orphanet 97593, MedGen C0033806, MONDO:0019992, HP:0000852.

Submission:

Johns Hopkins Genomics, Johns Hopkins University
Classification: Pathogenic for Pseudohypoparathyroidism type I A. Last evaluated: 2019-10-10. Review status: criteria provided, single submitter. Criteria: ACMG Guidelines, 2015. Collection method: clinical testing. Allele origin: germline.
Comment: This GNAS variant is absent from large population datasets and has not been reported in ClinVar nor the literature, to our knowledge. It destroys a canonical splice donor site of exon 6 and is predicted to cause abnormal gene splicing. This novel splice site variant occurs at the same position as a previously reported pathogenic variant (GNAS c.530+1G>A) associated with pseudohypoparathyroidism Ia. We consider c.530+1G>T to be pathogenic.